The following is an entry in ClinVar:

NM_000321.3(RB1):c.1234A>G (p.Lys412Glu)

Gene: RB1 (RB transcriptional corepressor 1; plus strand). Cytogenetic location: 13q14.2.
Variant type: single nucleotide variant.
Coding change: c.1234A>G on transcript NM_000321.3 (MANE Select); coding-DNA position 1234, A replaced by G.
Protein change: p.Lys412Glu; replaces lysine 412 with glutamic acid.
Molecular consequence: missense variant.
Genome position (GRCh38, 1-based): chr13:48,376,936, A>G. VCF-style: chr13-48376936-A-G. GRCh37 (hg19) VCF-style: chr13-48951072-A-G.
Other names: c.1234A>G, p.Lys412Glu (NM_001407165.1, NM_001407166.1); short protein forms K412E.
Identifiers: ClinVar variation 2112067 (VCV002112067.5), dbSNP rs2138136254, ClinGen allele CA388161970.
Genomic context (GRCh38, chr13:48,376,936, plus strand): 5'-CACAGTATCCTCGACATTGATTTCTGTTTTTACCTCCTAAAGAACTGCACAGTGAATCCA[A>G]AAGAAAGTATACTGAAAAGAGTGAAGGATATAGGATACATCTTTAAAGAGAAATTTGCTA-3'
Protein context (NP_000312.2, residues 402-422): SYFNNCTVNP[Lys412Glu]ESILKRVKDI

ClinVar aggregate classification (germline): Uncertain significance. Review status: criteria provided, multiple submitters, no conflicts (2 of 4 stars). 2 submissions from 2 submitters: Uncertain significance (2). Last evaluated 2024-08-04.

Conditions:
Retinoblastoma (RB1). Also called: RETINOBLASTOMA, SOMATIC. Identifiers: Orphanet 790, MedGen C0035335, MeSH D012175, MONDO:0008380, OMIM 180200, HP:0009919. Disease mechanism: loss of function. Inheritance: Both sporadic and heritable forms are tested..
Hereditary cancer-predisposing syndrome. Also called: Neoplastic Syndromes, Hereditary; Tumor predisposition; Hereditary Cancer Syndrome; Hereditary neoplastic syndrome. Identifiers: Orphanet 140162, MedGen C0027672, MeSH D009386, MONDO:0015356.

Submissions (2):

Ambry Genetics
Classification: Uncertain significance for Hereditary cancer-predisposing syndrome. Last evaluated: 2024-08-04. Review status: criteria provided, single submitter. Criteria: Ambry Variant Classification Scheme 2023. Collection method: clinical testing. Allele origin: germline.
Comment: The p.K412E variant (also known as c.1234A>G), located in coding exon 13 of the RB1 gene, results from an A to G substitution at nucleotide position 1234. The lysine at codon 412 is replaced by glutamic acid, an amino acid with similar properties. This amino acid position is conserved. In addition, this alteration is predicted to be tolerated by in silico analysis. Based on the available evidence, the clinical significance of this variant remains unclear.

Labcorp Genetics (formerly Invitae), Labcorp
Classification: Uncertain significance for Retinoblastoma. Last evaluated: 2023-07-27. Review status: criteria provided, single submitter. Criteria: Invitae Variant Classification Sherloc (09022015). Collection method: clinical testing. Allele origin: germline.
Comment: This sequence change replaces lysine, which is basic and polar, with glutamic acid, which is acidic and polar, at codon 412 of the RB1 protein (p.Lys412Glu). This variant is not present in population databases (gnomAD no frequency). This variant has not been reported in the literature in individuals affected with RB1-related conditions. ClinVar contains an entry for this variant (Variation ID: 2112067). Advanced modeling of protein sequence and biophysical properties (such as structural, functional, and spatial information, amino acid conservation, physicochemical variation, residue mobility, and thermodynamic stability) performed at Invitae indicates that this missense variant is not expected to disrupt RB1 protein function. In summary, the available evidence is currently insufficient to determine the role of this variant in disease. Therefore, it has been classified as a Variant of Uncertain Significance.